The following is an entry in ClinVar:

NM_001060.6(TBXA2R):c.1013A>T (p.Gln338Leu)

Gene: TBXA2R (thromboxane A2 receptor; minus strand). Cytogenetic location: 19p13.3.
Variant type: single nucleotide variant.
Coding change: c.1013A>T on transcript NM_001060.6 (MANE Select); coding-DNA position 1013, A replaced by T.
Protein change: p.Gln338Leu; replaces glutamine 338 with leucine.
Molecular consequence: missense variant. On other transcripts: intron variant (1).
Genome position (GRCh38, 1-based): chr19:3,595,707, T>A on the plus strand (A>T on the coding strand, the complement: TBXA2R is on the minus strand). VCF-style: chr19-3595707-T-A. GRCh37 (hg19) VCF-style: chr19-3595705-T-A.
Other names: c.983+30A>T (NM_201636.3); short protein forms Q338L.
Identifiers: ClinVar variation 1953770 (VCV001953770.5), dbSNP rs2512436251, ClinGen allele CA403329793.

ClinVar aggregate classification (germline): Uncertain significance (1 of 4 stars; one submission).

Submission:

Labcorp Genetics (formerly Invitae), Labcorp
Classification: Uncertain significance. Last evaluated: 2024-07-24. Review status: criteria provided, single submitter. Criteria: Invitae Variant Classification Sherloc (09022015). Collection method: clinical testing. Allele origin: germline.
Comment: This sequence change replaces glutamine, which is neutral and polar, with leucine, which is neutral and non-polar, at codon 338 of the TBXA2R protein (p.Gln338Leu). This variant is not present in population databases (gnomAD no frequency). This variant has not been reported in the literature in individuals affected with TBXA2R-related conditions. ClinVar contains an entry for this variant (Variation ID: 1953770). An algorithm developed to predict the effect of missense changes on protein structure and function (PolyPhen-2) suggests that this variant is likely to be tolerated. In summary, the available evidence is currently insufficient to determine the role of this variant in disease. Therefore, it has been classified as a Variant of Uncertain Significance.